The following is an entry in ClinVar:

ClinVar aggregate classification (germline): Conflicting classifications of pathogenicity. Review status: criteria provided, conflicting classifications (1 of 4 stars). 2 submissions from 2 submitters: Pathogenic (1); Uncertain significance (1). Last evaluated 2026-04-09.

Conditions:
Hereditary cancer-predisposing syndrome. Also called: Tumor predisposition; Hereditary Cancer Syndrome; Hereditary neoplastic syndrome; Neoplastic Syndromes, Hereditary. Identifiers: Orphanet 140162, MedGen C0027672, MeSH D009386, MONDO:0015356.

Submissions (2):

Ambry Genetics
Classification: Uncertain significance for Hereditary cancer-predisposing syndrome. Last evaluated: 2026-04-09. Review status: criteria provided, single submitter. Criteria: Ambry Variant Classification Scheme 2023. Collection method: clinical testing. Allele origin: germline.
Comment: The c.2442dupC variant, located in coding exon 21 of the POLE gene, results from a duplication of C at nucleotide position 2442, causing a translational frameshift with a predicted alternate stop codon (p.F815Lfs*94). This alteration is expected to result in loss of function by premature protein truncation or nonsense-mediated mRNA decay. Although biallelic loss of function of POLE has been associated with autosomal recessive POLE deficiency, haploinsufficiency of POLE has not been established as a mechanism of disease for POLE-related polymerase proofreading-associated polyposis (PPAP) and POLE-related CMMRD-like syndrome. Based on the supporting evidence, this variant is expected to be causative of POLE deficiency when present along with a second pathogenic variant on the other allele; however, its clinical significance for PPAP and POLE-related CMMRD-like syndrome is unclear.

Labcorp Genetics (formerly Invitae), Labcorp
Classification: Pathogenic. Last evaluated: 2022-05-12. Review status: criteria provided, single submitter. Criteria: Invitae Variant Classification Sherloc (09022015). Collection method: clinical testing. Allele origin: germline.
Comment: This variant has not been reported in the literature in individuals affected with POLE-related conditions. For these reasons, this variant has been classified as Pathogenic. Algorithms developed to predict the effect of sequence changes on RNA splicing suggest that this variant may create or strengthen a splice site. This variant is not present in population databases (gnomAD no frequency). This sequence change creates a premature translational stop signal (p.Phe815Leufs*94) in the POLE gene. It is expected to result in an absent or disrupted protein product. Loss-of-function variants in POLE are known to be pathogenic (PMID: 23230001, 25948378, 30503519).

Literature cited by the submitters: PubMed 23230001 (cited by Labcorp Genetics (formerly Invitae), Labcorp); PubMed 25948378 (cited by Labcorp Genetics (formerly Invitae), Labcorp); PubMed 30503519 (cited by Labcorp Genetics (formerly Invitae), Labcorp).

NM_006231.4(POLE):c.2442dup (p.Phe815fs)

Gene: POLE (DNA polymerase epsilon, catalytic subunit; minus strand). Cytogenetic location: 12q24.33.
Variant type: Duplication.
Coding change: c.2442dup on transcript NM_006231.4 (MANE Select); coding-DNA position 2442, one base duplicated (C; older notation c.2442dupC).
Protein change: p.Phe815fs; shifts the reading frame from phenylalanine 815.
Molecular consequence: frameshift variant.
Genome position (GRCh38, 1-based): chr12:132,665,328, G duplicated on the plus strand (C on the coding strand, the reverse complement: POLE is on the minus strand); the first of 2 consecutive G bases (chr12:132,665,328-132,665,329); duplicating either gives the same sequence. VCF-style (leftmost placement, unchanged base first): chr12-132665327-A-AG. GRCh37 (hg19) VCF-style: chr12-133241913-A-AG.
Other names: c.2442dupC (NM_006231.2); short protein forms F815fs.
Identifiers: ClinVar variation 2125688 (VCV002125688.5), dbSNP rs2542073442, ClinGen allele CA2580086022.
Genomic context (GRCh38, chr12:132,665,327, plus strand): 5'-TCCCATAAGCCTCTCCCGGGCCCGGGCCCACCTACCCCTTGCGCATGACATAGCCATAGA[A>AG]GGAGTTCAGGATGCACTTGTGGGCCAGCTGCAGCGAGTCATACAGCACCTCCATGTTCTT-3'